The following is an entry in ClinVar:

NM_004304.5(ALK):c.1647+2C>A

Gene: ALK (ALK receptor tyrosine kinase; minus strand). Cytogenetic location: 2p23.2.
Variant type: single nucleotide variant.
Coding change: c.1647+2C>A on transcript NM_004304.5 (MANE Select); the canonical splice donor site of the intron after coding-DNA position 1647, C replaced by A.
Molecular consequence: splice donor variant.
Genome position (GRCh38, 1-based): chr2:29,318,302, G>T on the plus strand (C>A on the coding strand, the complement: ALK is on the minus strand). VCF-style: chr2-29318302-G-T. GRCh37 (hg19) VCF-style: chr2-29541168-G-T.
Identifiers: ClinVar variation 2836365 (VCV002836365.3), dbSNP rs2148247928, ClinGen allele CA346470738.

ClinVar aggregate classification (germline): Uncertain significance (1 of 4 stars; one submission).

Conditions:
Neuroblastoma, susceptibility to, 3. Also called: ALK-Related Neuroblastic Tumor Susceptibility. Identifiers: Orphanet 635, MedGen C2751681, MONDO:0013083, OMIM 613014.

Submission:

Labcorp Genetics (formerly Invitae), Labcorp
Classification: Uncertain significance for Neuroblastoma, susceptibility to, 3. Last evaluated: 2023-08-03. Review status: criteria provided, single submitter. Criteria: Invitae Variant Classification Sherloc (09022015). Collection method: clinical testing. Allele origin: germline.
Comment: This sequence change falls in intron 8 of the ALK gene. It does not directly change the encoded amino acid sequence of the ALK protein. It affects a nucleotide within the consensus splice site. This variant is not present in population databases (gnomAD no frequency). This variant has not been reported in the literature in individuals affected with ALK-related conditions. Variants that disrupt the consensus splice site are a relatively common cause of aberrant splicing (PMID: 17576681, 9536098). Algorithms developed to predict the effect of sequence changes on RNA splicing suggest that this variant may disrupt the consensus splice site. In summary, the available evidence is currently insufficient to determine the role of this variant in disease. Therefore, it has been classified as a Variant of Uncertain Significance.

Literature cited by the submitters: PubMed 17576681; PubMed 9536098.